The following is an entry in ClinVar:

ClinVar aggregate classification (germline): Conflicting classifications of pathogenicity. Review status: criteria provided, conflicting classifications (1 of 4 stars). 5 submissions from 5 submitters: Likely pathogenic (2); Uncertain significance (2). 1 of the submissions does not count toward it. Last evaluated 2022-02-07.

Conditions:
DCLRE1C-related disorder. Also called: DCLRE1C-related condition.
Histiocytic medullary reticulosis. Also called: SEVERE COMBINED IMMUNODEFICIENCY WITH HYPEREOSINOPHILIA; Omenn syndrome. Identifiers: Orphanet 39041, MedGen C2700553, MONDO:0011338, OMIM 603554.
Severe combined immunodeficiency due to DCLRE1C deficiency (RS-SCID). Also called: SCID, AUTOSOMAL RECESSIVE, T CELL-NEGATIVE, B CELL-NEGATIVE, NK CELL-POSITIVE, WITH SENSITIVITY TO IONIZING RADIATION. Identifiers: Orphanet 275, MedGen C1865371, MONDO:0011225, OMIM 602450.
Athabaskan severe combined immunodeficiency (SCIDA). Also called: Severe combined immunodeficiency, athabascan-type. Identifiers: MedGen C1865370.

Allele frequency attached by ClinVar (database versions not stated): gnomAD 0.00012 and 0.00011; ESP Exome Variant Server 0.00015; TOPMed 0.00010.
gnomAD v4.1: 112 of 1,613,856 alleles (0.0069%); highest among the groups gnomAD compares: African/African-American, 0.036%; no homozygotes.

Submissions (5):

Fulgent Genetics
Classification: Uncertain significance for Severe combined immunodeficiency due to DCLRE1C deficiency; Histiocytic medullary reticulosis. Last evaluated: 2022-02-07. Review status: criteria provided, single submitter. Criteria: ACMG Guidelines, 2015. Collection method: clinical testing. Allele origin: unknown.

Blueprint Genetics
Classification: Likely pathogenic for DCLRE1C-related disorders. Last evaluated: 2022-01-10. Review status: criteria provided, single submitter. Criteria: ACMG Guidelines, 2015. Collection method: clinical testing. Allele origin: germline. Affected: yes. Observed: 3 variant alleles.

Labcorp Genetics (formerly Invitae), Labcorp
Classification: Uncertain significance for Athabaskan severe combined immunodeficiency. Last evaluated: 2021-02-26. Review status: criteria provided, single submitter. Criteria: Invitae Variant Classification Sherloc (09022015). Collection method: clinical testing. Allele origin: germline.
Comment: This sequence change results in a premature translational stop signal in the DCLRE1C gene (p.Arg664*). While this is not anticipated to result in nonsense mediated decay, it is expected to disrupt the last 29 amino acids of the DCLRE1C protein. This variant is present in population databases (rs200693133, ExAC 0.006%). This variant has not been reported in the literature in individuals with DCLRE1C-related conditions. Experimental studies and prediction algorithms are not available or were not evaluated for this variant, and the functional significance of the affected amino acid(s) is currently unknown. In summary, the available evidence is currently insufficient to determine the role of this variant in disease. Therefore, it has been classified as a Variant of Uncertain Significance.

Lifecell International Pvt. Ltd
Classification: Likely pathogenic for Severe combined immunodeficiency due to DCLRE1C deficiency. Review status: criteria provided, single submitter. Criteria: ACMG Guidelines, 2015. Collection method: clinical testing. Allele origin: germline. Inheritance: Autosomal recessive inheritance. Affected: yes. Observed: 1 compound heterozygote.
Comment: A Heterozygous Nonsense variant c.1645C>T in Exon 13 of the DCLRE1C gene that results in the amino acid substitution p.Arg549* was identified. The observed variant has a maximum allele frequency of 0.00004/0.00010% in gnomAD exomes and genomes, respectively. The severity of the impact of this variant on the protein is high, based on the effect of the protein and REVEL score . Rare Exome Variant Ensemble Learner (REVEL) is an ensembl method for predicting the pathogenicity of missense variants based on a combination of scores from 13 individual tools: MutPred, FATHMM v2.3, VEST 3.0, PolyPhen-2, SIFT, PROVEAN, MutationAssessor, MutationTaster, LRT, GERP++, SiPhy, phyloP, and phastCons. The REVEL score for an individual missense variant can range from 0 to 1, with higher scores reflecting greater likelihood that the variant is disease-causing. ClinVar has also classified this variant as Uncertain Significance [Variant ID: 966558]. For these reasons, this variant has been classified as Likely Pathogenic.

Natera, Inc.
Classification: Uncertain significance for Athabascan severe combined immunodeficiency. Last evaluated: 2020-12-28. Review status: no assertion criteria provided. Collection method: clinical testing. Allele origin: germline. Not counted in ClinVar's aggregate classification.

NM_001033855.3(DCLRE1C):c.1990C>T (p.Arg664Ter)

Gene: DCLRE1C (DNA cross-link repair 1C; minus strand). Cytogenetic location: 10p13.
Variant type: single nucleotide variant.
Coding change: c.1990C>T on transcript NM_001033855.3 (MANE Select); coding-DNA position 1990, C replaced by T.
Protein change: p.Arg664Ter; replaces arginine 664 with a stop codon.
Molecular consequence: nonsense. On other transcripts: non-coding transcript variant (3), intron variant (3).
Genome position (GRCh38, 1-based): chr10:14,908,497, G>A on the plus strand (C>T on the coding strand, the complement: DCLRE1C is on the minus strand). VCF-style: chr10-14908497-G-A. GRCh37 (hg19) VCF-style: chr10-14950496-G-A.
Other names: c.1630C>T, p.Arg544Ter (NM_001033857.3, NM_001033858.3, NM_001289077.2 and 1 more transcripts); c.1645C>T, p.Arg549Ter (NM_001289076.2, NM_001289078.2, NM_022487.4); c.1437+208C>T (NM_001350966.2); c.1782+208C>T (NM_001350965.2); c.1422+208C>T (NM_001350967.2); short protein forms R549*, R544*, R664*.
Identifiers: ClinVar variation 966558 (VCV000966558.7), dbSNP rs200693133, ClinGen allele CA5416354.
Genomic context (GRCh38, chr10:14,908,497, plus strand): 5'-TTTTGACTGCTATACTCTCACCAGTTGCCAGCTTCTCATATAAATATTGTAAATGCTCTC[G>A]TTTAGGTAACTCAGCTTCTGGAGTTGAGGGAACTTCAAAATCAGAAGAGCTCTGGGAATC-3'